The following is an entry in ClinVar:

NM_001267550.2(TTN):c.1776T>C (p.Asp592=)

Gene: TTN (titin; minus strand). Cytogenetic location: 2q31.2.
Variant type: single nucleotide variant.
Coding change: c.1776T>C on transcript NM_001267550.2 (MANE Select); coding-DNA position 1776, T replaced by C.
Protein change: p.Asp592=; no amino-acid change (aspartic acid 592 retained).
Molecular consequence: synonymous variant. On other transcripts: intron variant (3).
Genome position (GRCh38, 1-based): chr2:178,790,732, A>G on the plus strand (T>C on the coding strand, the complement: TTN is on the minus strand). VCF-style: chr2-178790732-A-G. GRCh37 (hg19) VCF-style: chr2-179655459-A-G.
Other names: c.1776T>C, p.Asp592= (NM_133378.4, NM_001256850.1, NM_133379.5); c.1663-617T>C (NM_003319.4, NM_133437.4, NM_133432.3).
Identifiers: ClinVar variation 46685 (VCV000046685.54), dbSNP rs147081804, ClinGen allele CA138950.

ClinVar aggregate classification (germline): Conflicting classifications of pathogenicity. Review status: criteria provided, conflicting classifications (1 of 4 stars). 12 submissions from 8 submitters: Uncertain significance (3); Benign (5); Likely benign (4). Last evaluated 2026-01-12.

Conditions:
Dilated cardiomyopathy 1G (CMD1G). Identifiers: Orphanet 154, MedGen C1858763, MONDO:0011400, OMIM 604145.
Autosomal recessive limb-girdle muscular dystrophy type 2J (LGMDR10). Also called: Limb-girdle muscular dystrophy, type 2J; MUSCULAR DYSTROPHY, LIMB-GIRDLE, AUTOSOMAL RECESSIVE 10. Identifiers: Orphanet 140922, MedGen C1837342, MONDO:0012127, OMIM 608807.
Cardiomyopathy (CMYO). Also called: Cardiomyopathies. Identifiers: Orphanet 167848, MedGen C0878544, MONDO:0004994, HP:0001638. Inheritance: Various modes of inheritance.
Early-onset myopathy with fatal cardiomyopathy (CMYO5). Also called: Salih Myopathy; CONGENITAL MYOPATHY 5 WITH CARDIOMYOPATHY. Identifiers: Orphanet 289377, MedGen C2673677, MONDO:0012714, OMIM 611705. Disease mechanism: loss of function.
Myopathy, myofibrillar, 9, with early respiratory failure (MFM9). Also called: Hereditary myopathy with early respiratory failure; Myopathy, distal, with early respiratory failure, autosomal dominant; EDSTROM MYOPATHY; MYOPATHY, PROXIMAL, WITH EARLY RESPIRATORY MUSCLE INVOLVEMENT. Identifiers: Orphanet 178464, Orphanet 34521, MedGen C1863599, MONDO:0011362, OMIM 603689.
Tibial muscular dystrophy (TMD). Also called: Udd Distal Myopathy – Tibial Muscular Dystrophy; Tibial muscular dystrophy, tardive; UDD MYOPATHY. Identifiers: Orphanet 609, MedGen C1838244, MONDO:0010870, OMIM 600334.

Allele frequency attached by ClinVar (database versions not stated): TOPMed 0.00007; ESP Exome Variant Server 0.00008; 1000 Genomes Project 30x 0.00016; 1000 Genomes Project 0.00020; gnomAD 0.00096 and 0.00100; ExAC 0.00101; gnomAD exomes 0.00103.
gnomAD v4.1: 881 of 1,614,076 alleles (0.055%); highest among the groups gnomAD compares: Non-Finnish European, 0.022%; 2 homozygotes.

Submissions (12):

Labcorp Genetics (formerly Invitae), Labcorp
Classification: Benign for Dilated cardiomyopathy 1G; Autosomal recessive limb-girdle muscular dystrophy type 2J. Last evaluated: 2026-01-12. Review status: criteria provided, single submitter. Criteria: Invitae Variant Classification Sherloc (09022015). Collection method: clinical testing. Allele origin: germline.

Blueprint Genetics
Classification: Likely benign. Last evaluated: 2024-11-21. Review status: criteria provided, single submitter. Criteria: ACMG Guidelines, 2015. Collection method: clinical testing. Allele origin: germline.

CeGaT Center for Human Genetics Tuebingen
Classification: Likely benign. Last evaluated: 2023-08-01. Review status: criteria provided, single submitter. Criteria: CeGaT Center For Human Genetics Tuebingen Variant Classification Criteria Version 2. Collection method: clinical testing. Allele origin: germline. Affected: yes. Observed: 3 variant alleles.
Comment: TTN: BP4, BP7

ARUP Laboratories, Molecular Genetics and Genomics, ARUP Laboratories
Classification: Likely benign. Last evaluated: 2020-02-26. Review status: criteria provided, single submitter. Criteria: ARUP Molecular Germline Variant Investigation Process. Collection method: clinical testing. Allele origin: germline.

CHEO Genetics Diagnostic Laboratory, Children's Hospital of Eastern Ontario
Classification: Benign for Cardiomyopathy. Last evaluated: 2018-06-06. Review status: criteria provided, single submitter. Criteria: ACMG Guidelines, 2015. Collection method: clinical testing. Allele origin: germline.

Illumina Laboratory Services, Illumina
Classification: Benign for Myopathy, myofibrillar, 9, with early respiratory failure. Last evaluated: 2018-01-13. Review status: criteria provided, single submitter. Criteria: ICSL Variant Classification Criteria 13 December 2019. Collection method: clinical testing. Allele origin: germline.
Comment: This variant was observed in the ICSL laboratory as part of a predisposition screen in an ostensibly healthy population. It had not been previously curated by ICSL or reported in the Human Gene Mutation Database (HGMD: prior to June 1st, 2018), and was therefore a candidate for classification through an automated scoring system. Utilizing variant allele frequency, disease prevalence and penetrance estimates, and inheritance mode, an automated score was calculated to assess if this variant is too frequent to cause the disease. Based on the score and internal cut-off values, a variant classified as benign is not then subjected to further curation. The score for this variant resulted in a classification of benign for this disease.

Illumina Laboratory Services, Illumina
Classification: Benign for Tibial muscular dystrophy. Last evaluated: 2018-01-13. Review status: criteria provided, single submitter. Criteria: ICSL Variant Classification Criteria 13 December 2019. Collection method: clinical testing. Allele origin: germline.
Comment: the same text as in the submission from Illumina Laboratory Services, Illumina above.

Illumina Laboratory Services, Illumina
Classification: Uncertain significance for Early-onset myopathy with fatal cardiomyopathy. Last evaluated: 2018-01-13. Review status: criteria provided, single submitter. Criteria: ICSL Variant Classification Criteria 13 December 2019. Collection method: clinical testing. Allele origin: germline.

Illumina Laboratory Services, Illumina
Classification: Uncertain significance for Autosomal recessive limb-girdle muscular dystrophy type 2J. Last evaluated: 2018-01-13. Review status: criteria provided, single submitter. Criteria: ICSL Variant Classification Criteria 13 December 2019. Collection method: clinical testing. Allele origin: germline.

Illumina Laboratory Services, Illumina
Classification: Uncertain significance for Dilated cardiomyopathy 1G. Last evaluated: 2018-01-13. Review status: criteria provided, single submitter. Criteria: ICSL Variant Classification Criteria 13 December 2019. Collection method: clinical testing. Allele origin: germline.

GeneDx
Classification: Benign. Last evaluated: 2015-03-03. Review status: criteria provided, single submitter. Criteria: GeneDx Variant Classification Process June 2021. Collection method: clinical testing. Allele origin: germline. Affected: yes.

Laboratory for Molecular Medicine, Mass General Brigham Personalized Medicine
Classification: Likely benign. Last evaluated: 2012-03-19. Review status: criteria provided, single submitter. Criteria: LMM Criteria. Collection method: clinical testing. Allele origin: germline. Observed: 2 variant alleles.
Comment: Asp592Asp in exon 11 of TTN: This variant is not expected to have clinical signi ficance because it does not alter an amino acid residue, and is not located with in the splice consensus sequence. It has been identified in 1/7020 European Amer ican chromosomes from a broad population by the NHLBI Exome Sequencing Project (dbSNP rs147081804). Asp592Asp in exon 11 of T TN (allele frequency = 1/7020) **